The following is an entry in ClinVar:

ClinVar aggregate classification (germline): Conflicting classifications of pathogenicity. Review status: criteria provided, conflicting classifications (1 of 4 stars). 2 submissions from 2 submitters: Uncertain significance (1); Likely benign (1). Last evaluated 2024-06-05.

Conditions:
Hereditary cancer-predisposing syndrome. Also called: Tumor predisposition; Hereditary Cancer Syndrome; Hereditary neoplastic syndrome; Neoplastic Syndromes, Hereditary. Identifiers: Orphanet 140162, MedGen C0027672, MeSH D009386, MONDO:0015356.

Submissions (2):

GeneDx
Classification: Uncertain significance. Last evaluated: 2024-06-05. Review status: criteria provided, single submitter. Criteria: GeneDx Variant Classification Process June 2021. Collection method: clinical testing. Allele origin: germline. Affected: yes.
Comment: Not observed at significant frequency in large population cohorts (gnomAD); In silico analysis indicates that this missense variant does not alter protein structure/function; Has not been previously published as pathogenic or benign to our knowledge; This variant is associated with the following publications: (PMID: 15235021, 22850631)

Ambry Genetics
Classification: Likely benign for Hereditary cancer-predisposing syndrome. Last evaluated: 2023-08-07. Review status: criteria provided, single submitter. Criteria: Ambry Variant Classification Scheme 2023. Collection method: clinical testing. Allele origin: germline.

NM_004360.5(CDH1):c.1780A>G (p.Ile594Val)

Gene: CDH1 (cadherin 1; plus strand). Cytogenetic location: 16q22.1.
Variant type: single nucleotide variant.
Coding change: c.1780A>G on transcript NM_004360.5 (MANE Select); coding-DNA position 1780, A replaced by G.
Protein change: p.Ile594Val; replaces isoleucine 594 with valine.
Molecular consequence: missense variant. On other transcripts: 5 prime UTR variant (1).
Genome position (GRCh38, 1-based): chr16:68,822,069, A>G. VCF-style: chr16-68822069-A-G. GRCh37 (hg19) VCF-style: chr16-68855972-A-G.
Other names: c.1597A>G, p.Ile533Val (NM_001317184.2); c.232A>G, p.Ile78Val (NM_001317185.2); c.-186A>G (NM_001317186.2); short protein forms I533V, I78V, I594V.
Identifiers: ClinVar variation 2587434 (VCV002587434.3), dbSNP rs1206609823, ClinGen allele CA396466608.
Genomic context (GRCh38, chr16:68,822,069, plus strand): 5'-GTTGCTACTGGAACAGGGACACTTCTGCTGATCCTGTCTGATGTGAATGACAACGCCCCC[A>G]TACCAGAACCTCGAACTATATTCTTCTGTGAGAGGAATCCAAAGCCTCAGGTCATAAACA-3'
Protein context (NP_004351.1, residues 584-604): ILSDVNDNAP[Ile594Val]PEPRTIFFCE